The following is an entry in ClinVar:

NM_139076.3(ABRAXAS1):c.704A>G (p.Asp235Gly)

Gene: ABRAXAS1 (abraxas 1, BRCA1 A complex subunit; minus strand). Cytogenetic location: 4q21.23.
Variant type: single nucleotide variant.
Coding change: c.704A>G on transcript NM_139076.3 (MANE Select); coding-DNA position 704, A replaced by G.
Protein change: p.Asp235Gly; replaces aspartic acid 235 with glycine.
Molecular consequence: missense variant.
Genome position (GRCh38, 1-based): chr4:83,463,586, T>C on the plus strand (A>G on the coding strand, the complement: ABRAXAS1 is on the minus strand). VCF-style: chr4-83463586-T-C. GRCh37 (hg19) VCF-style: chr4-84384739-T-C.
Other names: c.377A>G, p.Asp126Gly (NM_001345962.2); short protein forms D126G, D235G.
Identifiers: ClinVar variation 3446917 (VCV003446917.1).

ClinVar aggregate classification (germline): Uncertain significance (1 of 4 stars; one submission).

gnomAD v4.1: 1 of 1,608,684 alleles (0.000062%); highest among the groups gnomAD compares: Non-Finnish European, 0.000085%; no homozygotes.

Submission:

Ambry Genetics
Classification: Uncertain significance. Last evaluated: 2024-08-28. Review status: criteria provided, single submitter. Criteria: Ambry Variant Classification Scheme 2023. Collection method: clinical testing. Allele origin: germline.
Comment: The p.D235G variant (also known as c.704A>G), located in coding exon 8 of the FAM175A gene, results from an A to G substitution at nucleotide position 704. The aspartic acid at codon 235 is replaced by glycine, an amino acid with similar properties. This amino acid position is conserved. In addition, this alteration is predicted to be tolerated by in silico analysis. Based on the available evidence, the clinical significance of this variant remains unclear.